The following is an entry in ClinVar:

ClinVar aggregate classification (germline): Likely pathogenic (1 of 4 stars; one submission).

gnomAD v4.1: 3 of 1,613,810 alleles (0.00019%); highest among the groups gnomAD compares: African/African-American, 0.0027%; no homozygotes.

Submission:

Mayo Clinic Laboratories, Mayo Clinic
Classification: Likely pathogenic. Last evaluated: 2025-03-18. Review status: criteria provided, single submitter. Criteria: ACMG Guidelines, 2015. Collection method: clinical testing. Allele origin: germline. Observed: 1 variant allele.
Comment: PM2_supporting, PVS1

NM_139027.6(ADAMTS13):c.1851C>G (p.Tyr617Ter)

Gene: ADAMTS13 (ADAM metallopeptidase with thrombospondin type 1 motif 13; plus strand). Cytogenetic location: 9q34.2.
Variant type: single nucleotide variant.
Coding change: c.1851C>G on transcript NM_139027.6 (MANE Select); coding-DNA position 1851, C replaced by G.
Protein change: p.Tyr617Ter; replaces tyrosine 617 with a stop codon.
Molecular consequence: nonsense. On other transcripts: non-coding transcript variant (1).
Genome position (GRCh38, 1-based): chr9:133,440,408, C>G. VCF-style: chr9-133440408-C-G. GRCh37 (hg19) VCF-style: chr9-136305529-C-G.
Other names: p.Tyr617*; c.1851C>G, p.Tyr617Ter (NM_139025.5); c.1758C>G, p.Tyr586Ter (NM_139026.6); short protein forms Y586*, Y617*.
Identifiers: ClinVar variation 4541504 (VCV004541504.1).
Genomic context (GRCh38, chr9:133,440,408, plus strand): 5'-GAGGATCGGAGGGCGCTATGTCGTGGCTGGGAAGATGAGCATCTCCCCTAACACCACCTA[C>G]CCCTCCCTCCTGGAGGATGGTCGTGTCGAGTACAGAGTGGCCCTCACCGAGGACCGGCTG-3'